The following is an entry in ClinVar:

NM_001042681.2(RERE):c.24C>G (p.Asp8Glu)

Gene: RERE (arginine-glutamic acid dipeptide repeats; minus strand). Cytogenetic location: 1p36.23.
Variant type: single nucleotide variant.
Coding change: c.24C>G on transcript NM_001042681.2 (MANE Select); coding-DNA position 24, C replaced by G.
Protein change: p.Asp8Glu; replaces aspartic acid 8 with glutamic acid.
Molecular consequence: missense variant.
Genome position (GRCh38, 1-based): chr1:8,656,274, G>C on the plus strand (C>G on the coding strand, the complement: RERE is on the minus strand). VCF-style: chr1-8656274-G-C. GRCh37 (hg19) VCF-style: chr1-8716333-G-C.
Other names: c.24C>G, p.Asp8Glu (NM_012102.4); short protein forms D8E.
Identifiers: ClinVar variation 4767218 (VCV004767218.1).

ClinVar aggregate classification (germline): Uncertain significance (1 of 4 stars; one submission).

Submission:

Labcorp Genetics (formerly Invitae), Labcorp
Classification: Uncertain significance. Last evaluated: 2025-08-12. Review status: criteria provided, single submitter. Criteria: Invitae Variant Classification Sherloc (09022015). Collection method: clinical testing. Allele origin: germline.
Comment: This sequence change replaces aspartic acid, which is acidic and polar, with glutamic acid, which is acidic and polar, at codon 8 of the RERE protein (p.Asp8Glu). This variant is not present in population databases (gnomAD no frequency). This variant has not been reported in the literature in individuals affected with RERE-related conditions. Invitae Evidence Modeling of protein sequence and biophysical properties (such as structural, functional, and spatial information, amino acid conservation, physicochemical variation, residue mobility, and thermodynamic stability) indicates that this missense variant is not expected to disrupt RERE protein function with a negative predictive value of 95%. In summary, the available evidence is currently insufficient to determine the role of this variant in disease. Therefore, it has been classified as a Variant of Uncertain Significance.